The following is an entry in ClinVar:

ClinVar aggregate classification (germline): Uncertain significance (1 of 4 stars; one submission).

gnomAD v4.1: 1 of 1,605,444 alleles (0.000062%); highest among the groups gnomAD compares: African/African-American, 0.0013%; no homozygotes.

Submission:

GeneDx
Classification: Uncertain significance. Last evaluated: 2023-07-28. Review status: criteria provided, single submitter. Criteria: GeneDx Variant Classification Process June 2021. Collection method: clinical testing. Allele origin: germline. Affected: yes.
Comment: Not observed at significant frequency in large population cohorts (gnomAD); In silico analysis supports that this missense variant does not alter protein structure/function; Has not been previously published as pathogenic or benign to our knowledge

NM_145207.3(AFG2A):c.1314A>G (p.Ile438Met)

Gene: AFG2A (AFG2 AAA ATPase homolog A; plus strand). Cytogenetic location: 4q28.1.
Variant type: single nucleotide variant.
Coding change: c.1314A>G on transcript NM_145207.3 (MANE Select); coding-DNA position 1314, A replaced by G.
Protein change: p.Ile438Met; replaces isoleucine 438 with methionine.
Molecular consequence: missense variant.
Genome position (GRCh38, 1-based): chr4:122,936,136, A>G. VCF-style: chr4-122936136-A-G. GRCh37 (hg19) VCF-style: chr4-123857291-A-G.
Other names: c.1311A>G, p.Ile437Met (NM_001317799.2, NM_001345856.2); short protein forms I437M, I438M.
Identifiers: ClinVar variation 3361682 (VCV003361682.1).